The following is an entry in ClinVar:

NM_020166.5(MCCC1):c.1067T>C (p.Val356Ala)

Gene: MCCC1 (methylcrotonyl-CoA carboxylase subunit 1; minus strand). Cytogenetic location: 3q27.1.
Variant type: single nucleotide variant.
Coding change: c.1067T>C on transcript NM_020166.5 (MANE Select); coding-DNA position 1067, T replaced by C.
Protein change: p.Val356Ala; replaces valine 356 with alanine.
Molecular consequence: missense variant. On other transcripts: non-coding transcript variant (2).
Genome position (GRCh38, 1-based): chr3:183,045,429, A>G on the plus strand (T>C on the coding strand, the complement: MCCC1 is on the minus strand). VCF-style: chr3-183045429-A-G. GRCh37 (hg19) VCF-style: chr3-182763217-A-G.
Other names: c.716T>C, p.Val239Ala (NM_001293273.2); c.740T>C, p.Val247Ala (NM_001363880.1); short protein forms V239A, V247A, V356A.
Identifiers: ClinVar variation 948557 (VCV000948557.9), dbSNP rs1714474829, ClinGen allele CA355324866.
Genomic context (GRCh38, chr3:183,045,429, plus strand): 5'-CGCACCCAGCCAAGGCTGATTTTTAATAGAAAAAATATTCTCACTCTAAGCTGCCACTCC[A>G]CCAAGTCAGTTCCTGTGATCATCTCAGTAACAGGATGTTCCACTTGCAGCCTTGTATTCA-3'
Protein context (NP_064551.3, residues 346-366): VTEMITGTDL[Val356Ala]EWQLRIAAGE

ClinVar aggregate classification (germline): Uncertain significance (1 of 4 stars; one submission).

Conditions:
3-methylcrotonyl-CoA carboxylase 1 deficiency (MCC1D). Also called: MCCD TYPE 1; METHYLCROTONYLGLYCINURIA TYPE I; MCC 1 deficiency; 3 Alpha methylcrotonylglycinuria 1. Identifiers: Orphanet 6, MedGen CN028786, MONDO:0008861, OMIM 210200.

Submission:

Labcorp Genetics (formerly Invitae), Labcorp
Classification: Uncertain significance for 3-methylcrotonyl-CoA carboxylase 1 deficiency. Last evaluated: 2019-06-29. Review status: criteria provided, single submitter. Criteria: Invitae Variant Classification Sherloc (09022015). Collection method: clinical testing. Allele origin: germline.
Comment: In summary, the available evidence is currently insufficient to determine the role of this variant in disease. Therefore, it has been classified as a Variant of Uncertain Significance. Algorithms developed to predict the effect of missense changes on protein structure and function (SIFT, PolyPhen-2, Align-GVGD) all suggest that this variant is likely to be disruptive, but these predictions have not been confirmed by published functional studies and their clinical significance is uncertain. This variant has not been reported in the literature in individuals with MCCC1-related conditions. This variant is not present in population databases (ExAC no frequency). This sequence change replaces valine with alanine at codon 356 of the MCCC1 protein (p.Val356Ala). The valine residue is highly conserved and there is a small physicochemical difference between valine and alanine.